The following is an entry in ClinVar:

ClinVar aggregate classification (germline): Likely pathogenic. Review status: criteria provided, multiple submitters, no conflicts (2 of 4 stars). 2 submissions from 2 submitters: Likely pathogenic (2). Last evaluated 2024-02-01.

Conditions:
Hydrocephalus, nonsyndromic, autosomal recessive 1 (HYC1). Also called: Congenital hydrocephalus 1; Hydrocephalus, nonsyndromic, autosomal recessive. Identifiers: Orphanet 2185, MedGen C3887608, MONDO:0009360, OMIM 236600.
Spinocerebellar ataxia type 40. Identifiers: Orphanet 423275, MedGen C4518336, MONDO:0014475, OMIM 616053.

Submissions (2):

Fulgent Genetics
Classification: Likely pathogenic for Hydrocephalus, nonsyndromic, autosomal recessive 1; Spinocerebellar ataxia type 40. Last evaluated: 2024-02-01. Review status: criteria provided, single submitter. Criteria: ACMG Guidelines, 2015. Collection method: clinical testing. Allele origin: germline.

Labcorp Genetics (formerly Invitae), Labcorp
Classification: Likely pathogenic. Last evaluated: 2023-05-14. Review status: criteria provided, single submitter. Criteria: Invitae Variant Classification Sherloc (09022015). Collection method: clinical testing. Allele origin: germline.
Comment: This sequence change affects an acceptor splice site in intron 25 of the CCDC88C gene. It is expected to disrupt RNA splicing. Variants that disrupt the donor or acceptor splice site typically lead to a loss of protein function (PMID: 16199547), and loss-of-function variants in CCDC88C are known to be pathogenic (PMID: 23042809, 29225145). This variant is not present in population databases (gnomAD no frequency). This variant has not been reported in the literature in individuals affected with CCDC88C-related conditions. Algorithms developed to predict the effect of sequence changes on RNA splicing suggest that this variant may disrupt the consensus splice site. In summary, the currently available evidence indicates that the variant is pathogenic, but additional data are needed to prove that conclusively. Therefore, this variant has been classified as Likely Pathogenic.

Literature cited by the submitters: PubMed 16199547 (cited by Labcorp Genetics (formerly Invitae), Labcorp); PubMed 23042809 (cited by Labcorp Genetics (formerly Invitae), Labcorp); PubMed 29225145 (cited by Labcorp Genetics (formerly Invitae), Labcorp).

NM_001080414.4(CCDC88C):c.4442-2A>G

Gene: CCDC88C (coiled-coil and HOOK domain protein 88C; minus strand). Cytogenetic location: 14q32.11.
Variant type: single nucleotide variant.
Coding change: c.4442-2A>G on transcript NM_001080414.4 (MANE Select); the canonical splice acceptor site of the intron before coding-DNA position 4442, A replaced by G.
Molecular consequence: splice acceptor variant.
Genome position (GRCh38, 1-based): chr14:91,283,519, T>C on the plus strand (A>G on the coding strand, the complement: CCDC88C is on the minus strand). VCF-style: chr14-91283519-T-C. GRCh37 (hg19) VCF-style: chr14-91749863-T-C.
Identifiers: ClinVar variation 2846535 (VCV002846535.4), dbSNP rs1283433071, ClinGen allele CA390614150.